The following is an entry in ClinVar:

ClinVar aggregate classification (germline): Uncertain significance. Review status: criteria provided, multiple submitters, no conflicts (2 of 4 stars). 3 submissions from 3 submitters: Uncertain significance (3). Last evaluated 2025-11-10.

Conditions:
Hereditary cancer-predisposing syndrome. Also called: Tumor predisposition; Hereditary Cancer Syndrome; Neoplastic Syndromes, Hereditary; Hereditary neoplastic syndrome. Identifiers: Orphanet 140162, MedGen C0027672, MeSH D009386, MONDO:0015356.
Familial thoracic aortic aneurysm and aortic dissection (TAAD). Also called: Thoracic aortic aneurysms and dissections. Identifiers: Orphanet 91387, MedGen C4707243, MONDO:0019625.
Juvenile polyposis syndrome (JPS). Identifiers: Orphanet 2929, MedGen C0345893, MONDO:0017380, OMIM 174900.

gnomAD v4.1: 2 of 1,614,128 alleles (0.00012%); highest among the groups gnomAD compares: Non-Finnish European, 0.00017%; no homozygotes.

Submissions (3):

Labcorp Genetics (formerly Invitae), Labcorp
Classification: Uncertain significance for Juvenile polyposis syndrome. Last evaluated: 2025-11-10. Review status: criteria provided, single submitter. Criteria: Invitae Variant Classification Sherloc (09022015). Collection method: clinical testing. Allele origin: germline.
Comment: This sequence change replaces proline, which is neutral and non-polar, with serine, which is neutral and polar, at codon 244 of the SMAD4 protein (p.Pro244Ser). This variant is not present in population databases (gnomAD no frequency). This variant has not been reported in the literature in individuals affected with SMAD4-related conditions. Invitae Evidence Modeling of protein sequence and biophysical properties (such as structural, functional, and spatial information, amino acid conservation, physicochemical variation, residue mobility, and thermodynamic stability) has been performed for this missense variant. However, the output from this modeling did not meet the statistical confidence thresholds required to predict the impact of this variant on SMAD4 protein function. In summary, the available evidence is currently insufficient to determine the role of this variant in disease. Therefore, it has been classified as a Variant of Uncertain Significance.

Ambry Genetics
Classification: Uncertain significance for Hereditary cancer-predisposing syndrome; Familial thoracic aortic aneurysm and aortic dissection. Last evaluated: 2025-11-05. Review status: criteria provided, single submitter. Criteria: Ambry Variant Classification Scheme 2023. Collection method: clinical testing. Allele origin: germline.
Comment: The p.P244S variant (also known as c.730C>T), located in coding exon 5 of the SMAD4 gene, results from a C to T substitution at nucleotide position 730. The proline at codon 244 is replaced by serine, an amino acid with similar properties. This amino acid position is conserved. In addition, the in silico prediction for this alteration is inconclusive. Based on the available evidence, the clinical significance of this variant remains unclear.

Color Diagnostics, LLC DBA Color Health
Classification: Uncertain significance for Hereditary cancer-predisposing syndrome. Last evaluated: 2025-06-17. Review status: criteria provided, single submitter. Criteria: ACMG Guidelines, 2015. Collection method: clinical testing. Allele origin: germline.
Comment: This missense variant replaces proline with serine at codon 244 of the SMAD4 protein. Computational prediction suggests that this variant may not impact protein structure and function. To our knowledge, functional studies have not been reported for this variant. This variant has not been reported in individuals affected with SMAD4-related disorders in the literature. This variant has not been identified in the general population by the Genome Aggregation Database (gnomAD). The available evidence is insufficient to determine the role of this variant in disease conclusively. Therefore, this variant is classified as a Variant of Uncertain Significance.

NM_005359.6(SMAD4):c.730C>T (p.Pro244Ser)

Gene: SMAD4 (SMAD family member 4; plus strand). Cytogenetic location: 18q21.2.
Variant type: single nucleotide variant.
Coding change: c.730C>T on transcript NM_005359.6 (MANE Select); coding-DNA position 730, C replaced by T.
Protein change: p.Pro244Ser; replaces proline 244 with serine.
Molecular consequence: missense variant. On other transcripts: non-coding transcript variant (2).
Genome position (GRCh38, 1-based): chr18:51,058,187, C>T. VCF-style: chr18-51058187-C-T. GRCh37 (hg19) VCF-style: chr18-48584557-C-T.
Other names: c.730C>T, p.Pro244Ser (NM_001407041.1, NM_001407042.1, NM_001407043.1); short protein forms P244S.
Identifiers: ClinVar variation 4559057 (VCV004559057.3).